The following is an entry in ClinVar:

NM_001271.4(CHD2):c.4909C>G (p.Arg1637Gly)

Gene: CHD2 (chromodomain helicase DNA binding protein 2; plus strand). Cytogenetic location: 15q26.1.
Variant type: single nucleotide variant.
Coding change: c.4909C>G on transcript NM_001271.4 (MANE Select); coding-DNA position 4909, C replaced by G.
Protein change: p.Arg1637Gly; replaces arginine 1637 with glycine.
Molecular consequence: missense variant.
Genome position (GRCh38, 1-based): chr15:93,020,014, C>G. VCF-style: chr15-93020014-C-G. GRCh37 (hg19) VCF-style: chr15-93563244-C-G.
Other names: short protein forms R1637G.
Identifiers: ClinVar variation 2844811 (VCV002844811.3), dbSNP rs864309547, ClinGen allele CA393907443.

ClinVar aggregate classification (germline): Uncertain significance (1 of 4 stars; one submission).

Conditions:
Developmental and epileptic encephalopathy 94 (DEE94). Also called: CHD2-Related Neurodevelopmental Disorders; Epileptic encephalopathy, childhood-onset. Identifiers: Orphanet 1942, Orphanet 2382, MedGen C3809278, MONDO:0014150, OMIM 615369.

gnomAD v4.1: 6 of 1,608,704 alleles (0.00037%); highest among the groups gnomAD compares: East Asian, 0.0022%; no homozygotes.

Submission:

Labcorp Genetics (formerly Invitae), Labcorp
Classification: Uncertain significance for Developmental and epileptic encephalopathy 94. Last evaluated: 2023-03-10. Review status: criteria provided, single submitter. Criteria: Invitae Variant Classification Sherloc (09022015). Collection method: clinical testing. Allele origin: germline.
Comment: In summary, the available evidence is currently insufficient to determine the role of this variant in disease. Therefore, it has been classified as a Variant of Uncertain Significance. An algorithm developed to predict the effect of missense changes on protein structure and function (PolyPhen-2) suggests that this variant is likely to be tolerated. This variant has not been reported in the literature in individuals affected with CHD2-related conditions. This sequence change replaces arginine, which is basic and polar, with glycine, which is neutral and non-polar, at codon 1637 of the CHD2 protein (p.Arg1637Gly). This variant is present in population databases (no rsID available, gnomAD 0.006%).